The following is an entry in ClinVar:

ClinVar aggregate classification (germline): Likely benign. Review status: criteria provided, multiple submitters, no conflicts (2 of 4 stars). 2 submissions from 2 submitters: Likely benign (2). Last evaluated 2025-08-12.

Allele frequency attached by ClinVar (database versions not stated): gnomAD exomes 0.00005 and 0.00006; ExAC 0.00006; gnomAD 0.00006 and 0.00007; TOPMed 0.00006; ESP Exome Variant Server 0.00008.
gnomAD v4.1: 89 of 1,588,488 alleles (0.0056%); highest among the groups gnomAD compares: Non-Finnish European, 0.0074%; no homozygotes.

Submissions (2):

Labcorp Genetics (formerly Invitae), Labcorp
Classification: Likely benign. Last evaluated: 2025-08-12. Review status: criteria provided, single submitter. Criteria: Invitae Variant Classification Sherloc (09022015). Collection method: clinical testing. Allele origin: germline.

CeGaT Center for Human Genetics Tuebingen
Classification: Likely benign. Last evaluated: 2024-11-01. Review status: criteria provided, single submitter. Criteria: CeGaT Center For Human Genetics Tuebingen Variant Classification Criteria Version 2. Collection method: clinical testing. Allele origin: germline. Affected: yes. Observed: 1 variant allele.
Comment: MPDZ: BP4, BP7

NM_001378778.1(MPDZ):c.2934C>T (p.Gly978=)

Gene: MPDZ (multiple PDZ domain crumbs cell polarity complex component; minus strand). Cytogenetic location: 9p23.
Variant type: single nucleotide variant.
Coding change: c.2934C>T on transcript NM_001378778.1 (MANE Select); coding-DNA position 2934, C replaced by T.
Protein change: p.Gly978=; no amino-acid change (glycine 978 retained).
Molecular consequence: synonymous variant.
Genome position (GRCh38, 1-based): chr9:13,175,873, G>A on the plus strand (C>T on the coding strand, the complement: MPDZ is on the minus strand). VCF-style: chr9-13175873-G-A. GRCh37 (hg19) VCF-style: chr9-13175872-G-A.
Other names: c.2934C>T, p.Gly978= (NM_001261406.2, NM_001261407.2, NM_001330637.2 and 14 more transcripts).
Identifiers: ClinVar variation 1097808 (VCV001097808.23), dbSNP rs372786472, ClinGen allele CA4987313.